The following is an entry in ClinVar:

ClinVar aggregate classification (germline): Uncertain significance (1 of 4 stars; one submission).

gnomAD v4.1: 3 of 1,613,836 alleles (0.00019%); highest among the groups gnomAD compares: Non-Finnish European, 0.00025%; no homozygotes.

Submission:

GeneDx
Classification: Uncertain significance. Last evaluated: 2024-06-26. Review status: criteria provided, single submitter. Criteria: GeneDx Variant Classification Process June 2021. Collection method: clinical testing. Allele origin: germline. Affected: yes.
Comment: Not observed at significant frequency in large population cohorts (gnomAD); In silico analysis supports that this missense variant has a deleterious effect on protein structure/function; Has not been previously published as pathogenic or benign to our knowledge

NM_001330288.2(SMARCC2):c.220A>G (p.Thr74Ala)

Gene: SMARCC2 (SWI/SNF related BAF chromatin remodeling complex subunit C2; minus strand). Cytogenetic location: 12q13.2.
Variant type: single nucleotide variant.
Coding change: c.220A>G on transcript NM_001330288.2 (MANE Select); coding-DNA position 220, A replaced by G.
Protein change: p.Thr74Ala; replaces threonine 74 with alanine.
Molecular consequence: missense variant.
Genome position (GRCh38, 1-based): chr12:56,187,198, T>C on the plus strand (A>G on the coding strand, the complement: SMARCC2 is on the minus strand). VCF-style: chr12-56187198-T-C. GRCh37 (hg19) VCF-style: chr12-56580982-T-C.
Other names: c.220A>G, p.Thr74Ala (NM_001130420.3, NM_003075.5, NM_139067.4); short protein forms T74A.
Identifiers: ClinVar variation 3392843 (VCV003392843.1).